The following is an entry in ClinVar:

NM_001972.4(ELANE):c.385A>G (p.Ile129Val)

Gene: ELANE (elastase, neutrophil expressed; plus strand). Cytogenetic location: 19p13.3.
Variant type: single nucleotide variant.
Coding change: c.385A>G on transcript NM_001972.4 (MANE Select); coding-DNA position 385, A replaced by G.
Protein change: p.Ile129Val; replaces isoleucine 129 with valine.
Molecular consequence: missense variant.
Genome position (GRCh38, 1-based): chr19:855,582, A>G. VCF-style: chr19-855582-A-G. GRCh37 (hg19) VCF-style: chr19-855582-A-G.
Other names: c.385A>G (NM_001972.2); short protein forms I129V.
Identifiers: ClinVar variation 1379052 (VCV001379052.10), dbSNP rs2035664153, ClinGen allele CA402917790.

ClinVar aggregate classification (germline): Uncertain significance. Review status: criteria provided, multiple submitters, no conflicts (2 of 4 stars). 2 submissions from 2 submitters: Uncertain significance (2). Last evaluated 2025-12-30.

Conditions:
Cyclical neutropenia. Also called: Cyclic hematopoiesis; Cyclic Neutropenia. Identifiers: Orphanet 2686, MedGen C0221023, MONDO:0008090, OMIM 162800, HP:0040289. Disease mechanism: loss of function.
Neutropenia, severe congenital, 1, autosomal dominant. Identifiers: MedGen C1859966, MONDO:0042490, OMIM 202700.
Inborn genetic diseases. Identifiers: MedGen C0950123, MeSH D030342.

Allele frequency attached by ClinVar (database versions not stated): gnomAD 0.00001.

Submissions (2):

Ambry Genetics
Classification: Uncertain significance for Inborn genetic diseases. Last evaluated: 2025-12-30. Review status: criteria provided, single submitter. Criteria: Ambry Variant Classification Scheme 2023. Collection method: clinical testing. Allele origin: germline.

Labcorp Genetics (formerly Invitae), Labcorp
Classification: Uncertain significance for Neutropenia, severe congenital, 1, autosomal dominant; Cyclical neutropenia. Last evaluated: 2021-03-23. Review status: criteria provided, single submitter. Criteria: Invitae Variant Classification Sherloc (09022015). Collection method: clinical testing. Allele origin: germline.
Comment: Algorithms developed to predict the effect of missense changes on protein structure and function output the following: SIFT: "Tolerated"; PolyPhen-2: "Benign"; Align-GVGD: "Class C15". The valine amino acid residue is found in multiple mammalian species, suggesting that this missense change does not adversely affect protein function. These predictions have not been confirmed by published functional studies and their clinical significance is uncertain. This sequence change replaces isoleucine with valine at codon 129 of the ELANE protein (p.Ile129Val). The isoleucine residue is highly conserved and there is a small physicochemical difference between isoleucine and valine. This variant is not present in population databases (ExAC no frequency). This variant has not been reported in the literature in individuals with ELANE-related conditions. In summary, the available evidence is currently insufficient to determine the role of this variant in disease. Therefore, it has been classified as a Variant of Uncertain Significance.